The following is an entry in ClinVar:

NM_000161.3(GCH1):c.644T>C (p.Met215Thr)

Gene: GCH1 (GTP cyclohydrolase 1; minus strand). Cytogenetic location: 14q22.2.
Variant type: single nucleotide variant.
Coding change: c.644T>C on transcript NM_000161.3 (MANE Select); coding-DNA position 644, T replaced by C.
Protein change: p.Met215Thr; replaces methionine 215 with threonine.
Molecular consequence: missense variant. On other transcripts: intron variant (2).
Genome position (GRCh38, 1-based): chr14:54,844,126, A>G on the plus strand (T>C on the coding strand, the complement: GCH1 is on the minus strand). VCF-style: chr14-54844126-A-G. GRCh37 (hg19) VCF-style: chr14-55310844-A-G.
Other names: c.644T>C, p.Met215Thr (NM_001024024.2); c.627-1072T>C (NM_001024071.2); c.627-257T>C (NM_001024070.2); short protein forms M215T.
Identifiers: ClinVar variation 1695370 (VCV001695370.6), dbSNP rs2140038918, ClinGen allele CA389787204.

ClinVar aggregate classification (germline): Conflicting classifications of pathogenicity. Review status: criteria provided, conflicting classifications (1 of 4 stars). 2 submissions from 2 submitters: Likely pathogenic (1); Uncertain significance (1).

Conditions:
GTP cyclohydrolase I deficiency with hyperphenylalaninemia (HPABH4B). Also called: HYPERPHENYLALANINEMIA, TETRAHYDROBIOPTERIN-DEFICIENT, DUE TO GTP CYCLOHYDROLASE I DEFICIENCY; HYPERPHENYLALANINEMIA, BH4-DEFICIENT, B; Hyperphenylalaninemia, tetrahydrobiopterin-deficient, due to GTP cyclohydrolase 1 deficiency. Identifiers: Orphanet 2102, Orphanet 238583, MedGen CN305333, MONDO:0100186, OMIM 233910.

Submissions (2):

Kasturba Medical College, Manipal, Kasturba Medical College, Manipal, Manipal Academy of Higher Education, Manipal, India
Classification: Likely pathogenic for GTP cyclohydrolase I deficiency with hyperphenylalaninemia. Review status: criteria provided, single submitter. Criteria: ACMG Guidelines, 2015. Collection method: clinical testing. Allele origin: germline. Inheritance: Autosomal recessive inheritance. Affected: yes. Observed: 1 homozygote.

Neuberg Centre For Genomic Medicine, NCGM
Classification: Uncertain significance for GTP cyclohydrolase I deficiency with hyperphenylalaninemia. Review status: criteria provided, single submitter. Criteria: ACMG Guidelines, 2015. Collection method: clinical testing. Allele origin: germline. Inheritance: Autosomal recessive inheritance. Affected: yes.
Comment: The missense c.644T>C p.Met215Thr variant in GCH1 gene has not been reported previously as a pathogenic variant nor as a benign variant, to our knowledge. The p.Met215Thr variant is novel not in any individuals in gnomAD Exomes and 1000 Genomes. This variant has been reported to the ClinVar database as Likely Pathogenic. The amino acid change p.Met215Thr in GCH1 is predicted as conserved by GERP++ and PhyloP across 100 vertebrates. The amino acid Met at position 215 is changed to a Thr changing protein sequence and it might alter its composition and physico-chemical properties. Functional studies are required to prove the pathogenicity for the variant, for these reasons, this variant has been classified as Variant of Uncertain Significance VUS.